The following is an entry in ClinVar:

ClinVar aggregate classification (germline): Conflicting classifications of pathogenicity. Review status: criteria provided, conflicting classifications (1 of 4 stars). 5 submissions from 5 submitters: Uncertain significance (4); Likely benign (1). Last evaluated 2025-09-09.

Conditions:
Ehlers-Danlos syndrome (EDS). Identifiers: Orphanet 98249, MedGen C0013720, MONDO:0020066.
Congenital contractural arachnodactyly (CCA). Also called: Beals-Hecht syndrome; BEALS SYNDROME; Arthrogryposis, distal, type 9. Identifiers: Orphanet 115, MedGen C0220668, MONDO:0007363, OMIM 121050.

Allele frequency attached by ClinVar (database versions not stated): TOPMed 0.00002; ExAC 0.00004; ESP Exome Variant Server 0.00015.
gnomAD v4.1: 43 of 1,614,072 alleles (0.0027%); highest among the groups gnomAD compares: South Asian, 0.0044%; no homozygotes.

Submissions (5):

Labcorp Genetics (formerly Invitae), Labcorp
Classification: Likely benign for Congenital contractural arachnodactyly. Last evaluated: 2025-09-09. Review status: criteria provided, single submitter. Criteria: Invitae Variant Classification Sherloc (09022015). Collection method: clinical testing. Allele origin: germline.

GeneDx
Classification: Uncertain significance. Last evaluated: 2023-12-14. Review status: criteria provided, single submitter. Criteria: GeneDx Variant Classification Process June 2021. Collection method: clinical testing. Allele origin: germline. Affected: yes.
Comment: Not observed at significant frequency in large population cohorts (gnomAD); In silico analysis supports that this missense variant has a deleterious effect on protein structure/function; Has not been previously published as pathogenic or benign to our knowledge

AiLife Diagnostics
Classification: Uncertain significance. Last evaluated: 2021-11-19. Review status: criteria provided, single submitter. Criteria: ACMG Guidelines, 2015. Collection method: clinical testing. Allele origin: germline. Affected: yes. Observed: 1 variant allele.

Genome Diagnostics Laboratory, The Hospital for Sick Children
Classification: Uncertain significance for Ehlers-Danlos syndrome. Last evaluated: 2021-06-04. Review status: criteria provided, single submitter. Criteria: ACMG Guidelines, 2015. Collection method: clinical testing. Allele origin: germline.

Illumina Laboratory Services, Illumina
Classification: Uncertain significance for Congenital contractural arachnodactyly. Last evaluated: 2018-01-12. Review status: criteria provided, single submitter. Criteria: ICSL Variant Classification Criteria 13 December 2019. Collection method: clinical testing. Allele origin: germline.

NM_001999.4(FBN2):c.3062G>A (p.Arg1021His)

Genes: FBN2 (fibrillin 2; minus strand), LOC126807501 (BRD4-independent group 4 enhancer GRCh37_chr5:127680731-127681930; plus strand). Cytogenetic location: 5q23.3.
Variant type: single nucleotide variant.
Coding change: c.3062G>A on transcript NM_001999.4 (MANE Select); coding-DNA position 3062, G replaced by A.
Protein change: p.Arg1021His; replaces arginine 1021 with histidine.
Molecular consequence: missense variant.
Genome position (GRCh38, 1-based): chr5:128,345,512, C>T on the plus strand (G>A on the coding strand, the complement: FBN2 is on the minus strand). VCF-style: chr5-128345512-C-T. GRCh37 (hg19) VCF-style: chr5-127681204-C-T.
Other names: short protein forms R1021H.
Identifiers: ClinVar variation 568968 (VCV000568968.15), dbSNP rs139620380, ClinGen allele CA3395338.